The following is an entry in ClinVar:

NM_001034853.2(RPGR):c.2336_2337insTC (p.Glu779fs)

Gene: RPGR (retinitis pigmentosa GTPase regulator; minus strand). Cytogenetic location: Xp11.4.
Variant type: Insertion.
Coding change: c.2336_2337insTC on transcript NM_001034853.2 (MANE Select); coding-DNA positions 2336 to 2337, TC inserted.
Protein change: p.Glu779fs; shifts the reading frame from glutamic acid 779.
Molecular consequence: frameshift variant. On other transcripts: intron variant (8).
Genome position: GRCh38 VCF-style: chrX-38286662-T-TGA. GRCh37 (hg19) VCF-style: chrX-38145915-T-TGA.
Other names: c.1569+4296_1569+4297insTC (NM_001367249.1, NM_001367250.1); c.1902+431_1902+432insTC (NM_001367245.1); c.1386+4296_1386+4297insTC (NM_001367251.1); c.1719+431_1719+432insTC (NM_001367246.1); c.1572+4296_1572+4297insTC (NM_001367247.1); c.1905+431_1905+432insTC (NM_000328.3); c.1602+4296_1602+4297insTC (NM_001367248.1); short protein forms E779fs.
Identifiers: ClinVar variation 2813663 (VCV002813663.3), dbSNP rs2519791875, ClinGen allele CA2739273392.

ClinVar aggregate classification (germline): Pathogenic (1 of 4 stars; one submission).

Conditions:
Primary ciliary dyskinesia. Also called: Ciliary dyskinesia. Identifiers: Orphanet 244, MedGen C0008780, MONDO:0016575, HP:0012265.

Submission:

Labcorp Genetics (formerly Invitae), Labcorp
Classification: Pathogenic for Primary ciliary dyskinesia. Last evaluated: 2022-11-11. Review status: criteria provided, single submitter. Criteria: Invitae Variant Classification Sherloc (09022015). Collection method: clinical testing. Allele origin: germline.
Comment: This variant has not been reported in the literature in individuals affected with RPGR (ORF15)-related conditions. This variant disrupts a region of the RPGR (ORF15) protein in which other variant(s) (p.Leu1130Lysfs*13) have been determined to be pathogenic (Invitae; SOURCE: 22264887). This suggests that this is a clinically significant region of the protein, and that variants that disrupt it are likely to be disease-causing. For these reasons, this variant has been classified as Pathogenic. This variant is not present in population databases (gnomAD no frequency). This sequence change creates a premature translational stop signal (p.Glu779Aspfs*37) in the RPGR (ORF15) gene. While this is not anticipated to result in nonsense mediated decay, it is expected to disrupt the last 374 amino acid(s) of the RPGR (ORF15) protein.